The following is an entry in ClinVar:

ClinVar aggregate classification (germline): Conflicting classifications of pathogenicity. Review status: criteria provided, conflicting classifications (1 of 4 stars). 2 submissions from 2 submitters: Uncertain significance (1); Likely benign (1). Last evaluated 2023-04-16.

Conditions:
Cardiovascular phenotype. Identifiers: MedGen CN230736.
Hereditary cancer-predisposing syndrome. Also called: Hereditary neoplastic syndrome; Tumor predisposition; Neoplastic Syndromes, Hereditary; Hereditary Cancer Syndrome. Identifiers: Orphanet 140162, MedGen C0027672, MeSH D009386, MONDO:0015356.
Neurofibromatosis, type 1 (NF1). Also called: Neurofibromatosis, type I; VON RECKLINGHAUSEN DISEASE; NEUROFIBROMATOSIS, TYPE I, SOMATIC; Peripheral type neurofibromatosis. Identifiers: Orphanet 636, MedGen C0027831, MONDO:0018975, OMIM 162200. Disease mechanism: loss of function.

Allele frequency attached by ClinVar (database versions not stated): gnomAD exomes below 0.00001; TOPMed below 0.00001.
gnomAD v4.1: 2 of 1,613,524 alleles (0.00012%); highest among the groups gnomAD compares: African/African-American, 0.0027%; no homozygotes.

Submissions (2):

Labcorp Genetics (formerly Invitae), Labcorp
Classification: Uncertain significance for Neurofibromatosis, type 1. Last evaluated: 2023-04-16. Review status: criteria provided, single submitter. Criteria: Invitae Variant Classification Sherloc (09022015). Collection method: clinical testing. Allele origin: germline.
Comment: ClinVar contains an entry for this variant (Variation ID: 1479552). Algorithms developed to predict the effect of missense changes on protein structure and function output the following: SIFT: "Not Available"; PolyPhen-2: "Possibly Damaging"; Align-GVGD: "Not Available". The glutamine amino acid residue is found in multiple mammalian species, which suggests that this missense change does not adversely affect protein function. In summary, the available evidence is currently insufficient to determine the role of this variant in disease. Therefore, it has been classified as a Variant of Uncertain Significance. This sequence change replaces proline, which is neutral and non-polar, with glutamine, which is neutral and polar, at codon 464 of the NF1 protein (p.Pro464Gln). This variant is present in population databases (no rsID available, gnomAD 0.007%). This variant has not been reported in the literature in individuals affected with NF1-related conditions.

Ambry Genetics
Classification: Likely benign for Cardiovascular phenotype; Hereditary cancer-predisposing syndrome. Last evaluated: 2023-04-07. Review status: criteria provided, single submitter. Criteria: Ambry Variant Classification Scheme 2023. Collection method: clinical testing. Allele origin: germline.

NM_001042492.3(NF1):c.1391C>A (p.Pro464Gln)

Gene: NF1 (neurofibromin 1; plus strand). Cytogenetic location: 17q11.2.
Variant type: single nucleotide variant.
Coding change: c.1391C>A on transcript NM_001042492.3 (MANE Select); coding-DNA position 1391, C replaced by A.
Protein change: p.Pro464Gln; replaces proline 464 with glutamine.
Molecular consequence: missense variant.
Genome position (GRCh38, 1-based): chr17:31,206,370, C>A. VCF-style: chr17-31206370-C-A. GRCh37 (hg19) VCF-style: chr17-29533388-C-A.
Other names: c.1391C>A, p.Pro464Gln (NM_000267.4, NM_001128147.3); short protein forms P464Q.
Identifiers: ClinVar variation 1479552 (VCV001479552.9), dbSNP rs1269425503, ClinGen allele CA398999948.
Genomic context (GRCh38, chr17:31,206,370, plus strand): 5'-GTGAAACACTTCATAAAGCAGTGCAAGGTTGTGGAGCACACCCAGCAATACGAATGGCAC[C>A]GGTAAGATAAATCACGAATTTTGAATCTCACCTCCTTTCTATTGCATTTTTTTTAGTGTC-3'
Protein context (NP_001035957.1, residues 454-474): CGAHPAIRMA[Pro464Gln]SLTFKEKVTS